The following is an entry in ClinVar:

ClinVar aggregate classification (germline): Uncertain significance. Review status: criteria provided, multiple submitters, no conflicts (2 of 4 stars). 2 submissions from 2 submitters: Uncertain significance (2). Last evaluated 2023-07-06.

Conditions:
Charcot-Marie-Tooth disease dominant intermediate C (CMTDIC). Also called: CHARCOT-MARIE-TOOTH NEUROPATHY, DOMINANT INTERMEDIATE C. Identifiers: Orphanet 100045, MedGen C1842237, MONDO:0012012, OMIM 608323.

Allele frequency attached by ClinVar (database versions not stated): gnomAD exomes below 0.00001; ExAC 0.00001; ESP Exome Variant Server 0.00008.
gnomAD v4.1: 1 of 1,614,146 alleles (0.000062%); highest among the groups gnomAD compares: Non-Finnish European, 0.000085%; no homozygotes.

Submissions (2):

Institute for Clinical Genetics, University Hospital TU Dresden, University Hospital TU Dresden
Classification: Uncertain significance. Last evaluated: 2023-07-06. Review status: criteria provided, single submitter. Criteria: ACMG Guidelines, 2015. Collection method: clinical testing. Allele origin: germline.
Comment: PP3, PM2_SUP

Labcorp Genetics (formerly Invitae), Labcorp
Classification: Uncertain significance for Charcot-Marie-Tooth disease dominant intermediate C. Last evaluated: 2021-03-09. Review status: criteria provided, single submitter. Criteria: Invitae Variant Classification Sherloc (09022015). Collection method: clinical testing. Allele origin: germline.
Comment: This sequence change replaces alanine with threonine at codon 60 of the YARS protein (p.Ala60Thr). The alanine residue is highly conserved and there is a small physicochemical difference between alanine and threonine. This variant is present in population databases (rs367649729, ExAC 0.001%). This variant has not been reported in the literature in individuals with YARS-related disease. Algorithms developed to predict the effect of missense changes on protein structure and function (SIFT, PolyPhen-2, Align-GVGD) all suggest that this variant is likely to be disruptive, but these predictions have not been confirmed by published functional studies and their clinical significance is uncertain. In summary, the available evidence is currently insufficient to determine the role of this variant in disease. Therefore, it has been classified as a Variant of Uncertain Significance.

NM_003680.4(YARS1):c.178G>A (p.Ala60Thr)

Gene: YARS1 (tyrosyl-tRNA synthetase 1; minus strand). Cytogenetic location: 1p35.1.
Variant type: single nucleotide variant.
Coding change: c.178G>A on transcript NM_003680.4 (MANE Select); coding-DNA position 178, G replaced by A.
Protein change: p.Ala60Thr; replaces alanine 60 with threonine.
Molecular consequence: missense variant.
Genome position (GRCh38, 1-based): chr1:32,810,937, C>T on the plus strand (G>A on the coding strand, the complement: YARS1 is on the minus strand). VCF-style: chr1-32810937-C-T. GRCh37 (hg19) VCF-style: chr1-33276538-C-T.
Other names: short protein forms A60T.
Identifiers: ClinVar variation 646915 (VCV000646915.8), dbSNP rs367649729, ClinGen allele CA745269.